The following is an entry in ClinVar:

ClinVar aggregate classification (germline): Likely pathogenic (1 of 4 stars; one submission).

Conditions:
Warburg micro syndrome 1 (WARBM1). Identifiers: Orphanet 2510, MedGen C1838625, MONDO:0010822, OMIM 600118.
Martsolf syndrome 2. Identifiers: MedGen C5543626, MONDO:0030376, OMIM 619420.

Submission:

Juno Genomics, Hangzhou Juno Genomics, Inc
Classification: Likely pathogenic for Warburg micro syndrome 1; Martsolf syndrome 2. Review status: criteria provided, single submitter. Criteria: ACMG Guidelines, 2015. Collection method: clinical testing. Allele origin: germline.
Comment: Null variant in a gene where loss of function (LOF) is a known mechanism of disease.;Absent from controls (or at extremely low frequency if recessive) in Genome Aggregation Database.

NM_012233.3(RAB3GAP1):c.1236+1G>C

Gene: RAB3GAP1 (RAB3 GTPase activating protein catalytic subunit 1; plus strand). Cytogenetic location: 2q21.3.
Variant type: single nucleotide variant.
Coding change: c.1236+1G>C on transcript NM_012233.3 (MANE Select); the canonical splice donor site of the intron after coding-DNA position 1236, G replaced by C.
Molecular consequence: splice donor variant.
Genome position (GRCh38, 1-based): chr2:135,130,722, G>C. VCF-style: chr2-135130722-G-C. GRCh37 (hg19) VCF-style: chr2-135888292-G-C.
Other names: c.1236+1G>C (NM_001172435.2).
Identifiers: ClinVar variation 5006073 (VCV005006073.2).